The following is an entry in ClinVar:

NM_173076.3(ABCA12):c.7276C>T (p.Arg2426Trp)

Genes: ABCA12 (ATP binding cassette subfamily A member 12; minus strand), SNHG31 (small nucleolar RNA host gene 31; plus strand). Cytogenetic location: 2q35.
Variant type: single nucleotide variant.
Coding change: c.7276C>T on transcript NM_173076.3 (MANE Select); coding-DNA position 7276, C replaced by T.
Protein change: p.Arg2426Trp; replaces arginine 2426 with tryptophan.
Molecular consequence: missense variant. On other transcripts: non-coding transcript variant (1).
Genome position (GRCh38, 1-based): chr2:214,945,068, G>A on the plus strand (C>T on the coding strand, the complement: ABCA12 is on the minus strand). VCF-style: chr2-214945068-G-A. GRCh37 (hg19) VCF-style: chr2-215809792-G-A.
Other names: c.6322C>T, p.Arg2108Trp (NM_015657.4); short protein forms R2426W, R2108W.
Identifiers: ClinVar variation 633832 (VCV000633832.6), dbSNP rs771593783, ClinGen allele CA2090693.

ClinVar aggregate classification (germline): Conflicting classifications of pathogenicity. Review status: criteria provided, conflicting classifications (1 of 4 stars). 3 submissions from 3 submitters: Pathogenic (1); Likely pathogenic (1); Uncertain significance (1). Last evaluated 2024-03-01.

Conditions:
Autosomal recessive congenital ichthyosis 4B (ARCI4B). Also called: HARLEQUIN ICHTHYOSIS; Harlequin Fetus; ICHTHYOSIS CONGENITA, HARLEQUIN FETUS TYPE; Ichthyosis, congenital, autosomal recessive 4B (harlequin). Identifiers: Orphanet 457, MedGen C0598226, MONDO:0009443, OMIM 242500.
Autosomal recessive congenital ichthyosis 4A (LI2). Also called: ICHTHYOSIS CONGENITA IIB. Identifiers: Orphanet 313, MedGen C1832550, MONDO:0011026, OMIM 601277.

Allele frequency attached by ClinVar (database versions not stated): gnomAD exomes below 0.00001; ExAC 0.00001; gnomAD 0.00001; TOPMed 0.00001.
gnomAD v4.1: 6 of 1,613,534 alleles (0.00037%); highest among the groups gnomAD compares: Non-Finnish European, 0.00051%; no homozygotes.

Submissions (3):

Labcorp Genetics (formerly Invitae), Labcorp
Classification: Pathogenic. Last evaluated: 2024-03-01. Review status: criteria provided, single submitter. Criteria: Invitae Variant Classification Sherloc (09022015). Collection method: clinical testing. Allele origin: germline.
Comment: This sequence change replaces arginine, which is basic and polar, with tryptophan, which is neutral and slightly polar, at codon 2426 of the ABCA12 protein (p.Arg2426Trp). This variant is not present in population databases (gnomAD no frequency). This missense change has been observed in individual(s) with autosomal recessive congenital ichthyosis (PMID: 30578701). ClinVar contains an entry for this variant (Variation ID: 633832). Advanced modeling of protein sequence and biophysical properties (such as structural, functional, and spatial information, amino acid conservation, physicochemical variation, residue mobility, and thermodynamic stability) performed at Invitae indicates that this missense variant is expected to disrupt ABCA12 protein function with a positive predictive value of 80%. This variant disrupts the p.Arg2426 amino acid residue in ABCA12. Other variant(s) that disrupt this residue have been determined to be pathogenic (PMID: 30578701). This suggests that this residue is clinically significant, and that variants that disrupt this residue are likely to be disease-causing. For these reasons, this variant has been classified as Pathogenic.

Uitto Lab, Thomas Jefferson University
Classification: Likely pathogenic for Harlequin fetus. Last evaluated: 2018-06-08. Review status: criteria provided, single submitter. Criteria: ACMG Guidelines, 2015. Collection method: clinical testing. Allele origin: germline. Affected: yes. Study: Rare heritable connective tissue and skin disorders in Iranian cohort.

Juno Genomics, Hangzhou Juno Genomics, Inc
Classification: Uncertain significance for Autosomal recessive congenital ichthyosis 4A; Autosomal recessive congenital ichthyosis 4B. Review status: criteria provided, single submitter. Criteria: ACMG Guidelines, 2015. Collection method: clinical testing. Allele origin: germline. Affected: yes.
Comment: Absent from controls (or at extremely low frequency if recessive) in Genome Aggregation Database, Exome Sequencing Project, 1000 Genomes Project, or Exome Aggregation Consortium.;Multiple lines of computational evidence support a deleterious effect on the gene or gene product (conservation, evolutionary, splicing impact, etc).;For recessive disorders, detected in trans with a pathogenic variant.;Patient's phenotype or family history is highly specific for a disease with a single genetic etiology.

Literature cited by the submitters: PubMed 30578701 (cited by Labcorp Genetics (formerly Invitae), Labcorp).